The following is an entry in ClinVar:

ClinVar aggregate classification (germline): Likely benign. Review status: criteria provided, single submitter (1 of 4 stars). 2 submissions from 2 submitters: Likely benign (1). 1 of the submissions does not count toward it. Last evaluated 2018-01-18.

Conditions:
DYRK1B-related disorder. Also called: DYRK1B-related condition.

Allele frequency attached by ClinVar (database versions not stated): ExAC 0.00023; gnomAD exomes 0.00001 and 0.00004; TOPMed 0.00002; gnomAD 0.00003.
gnomAD v4.1: 18 of 1,485,826 alleles (0.0012%); highest among the groups gnomAD compares: Middle Eastern, 0.018%; no homozygotes.

Submissions (2):

Labcorp Genetics (formerly Invitae), Labcorp
Classification: Likely benign. Last evaluated: 2018-01-18. Review status: criteria provided, single submitter. Criteria: Invitae Variant Classification Sherloc (09022015). Collection method: clinical testing. Allele origin: germline.

PreventionGenetics, part of Exact Sciences
Classification: Likely benign for DYRK1B-related condition. Last evaluated: 2023-09-14. Review status: no assertion criteria provided. Collection method: clinical testing. Allele origin: germline. Not counted in ClinVar's aggregate classification.
Comment: This variant is classified as likely benign based on ACMG/AMP sequence variant interpretation guidelines (Richards et al. 2015 PMID: 25741868, with internal and published modifications).

NM_004714.3(DYRK1B):c.1248C>T (p.Pro416=)

Gene: DYRK1B (dual specificity tyrosine phosphorylation regulated kinase 1B; minus strand). Cytogenetic location: 19q13.2.
Variant type: single nucleotide variant.
Coding change: c.1248C>T on transcript NM_004714.3 (MANE Select); coding-DNA position 1248, C replaced by T.
Protein change: p.Pro416=; no amino-acid change (proline 416 retained).
Molecular consequence: synonymous variant.
Genome position (GRCh38, 1-based): chr19:39,826,835, G>A on the plus strand (C>T on the coding strand, the complement: DYRK1B is on the minus strand). VCF-style: chr19-39826835-G-A. GRCh37 (hg19) VCF-style: chr19-40317475-G-A.
Other names: c.1128C>T, p.Pro376= (NM_006483.3); c.1164C>T, p.Pro388= (NM_006484.3).
Identifiers: ClinVar variation 721944 (VCV000721944.4), dbSNP rs758978709, ClinGen allele CA9434105.
Genomic context (GRCh38, chr19:39,826,835, plus strand): 5'-GTCGGCCGTGCGGCGGAAGAAGCCGTGCTGCAGAGCCCCCAGGGGGCTGATGCGGGCGGC[G>A]GGCTCATACTCCAGCATGCGCAGCACCAGGTCCTGGAAGCGGAGGTAGTCGGCGGGGCTG-3'
Protein context (NP_004705.1, residues 406-426): DLVLRMLEYE[Pro416=]AARISPLGAL